The following is an entry in ClinVar:

ClinVar aggregate classification (germline): Uncertain significance (1 of 4 stars; one submission).

Conditions:
Developmental and epileptic encephalopathy. Identifiers: MedGen C5779964, MONDO:0100620.

Submission:

Labcorp Genetics (formerly Invitae), Labcorp
Classification: Uncertain significance for Early-infantile DEE. Last evaluated: 2023-06-03. Review status: criteria provided, single submitter. Criteria: Invitae Variant Classification Sherloc (09022015). Collection method: clinical testing. Allele origin: unknown.
Comment: In summary, the available evidence is currently insufficient to determine the role of this variant in disease. Therefore, it has been classified as a Variant of Uncertain Significance. Experimental studies and prediction algorithms are not available or were not evaluated, and the functional significance of this variant is currently unknown. This variant has not been reported in the literature in individuals affected with HCN1-related conditions. This variant results in a copy number gain of the genomic region encompassing exon(s) 1-3 of the HCN1 gene. This region includes the initiator codon of the gene. This copy number gain extends beyond the assayed region for this gene and therefore may encompass additional genes. As the precise location of this event is unknown, it may be in tandem or it may be located elsewhere in the genome.

NC_000005.9:g.(?_45461928)_(45696195_?)dup

Gene: HCN1 (hyperpolarization activated cyclic nucleotide gated potassium channel 1; minus strand). Cytogenetic location: 5p12.
Variant type: Duplication.
Identifiers: ClinVar variation 3246309 (VCV003246309.1).